The following is an entry in ClinVar:

ClinVar aggregate classification (germline): Uncertain significance (1 of 4 stars; one submission).

Conditions:
Neuropathy, hereditary sensory, type 2C. Also called: Hereditary sensory and autonomic neuropathy type IIC; KIF1A-Related HSAN2 (HSAN2C). Identifiers: Orphanet 970, MedGen C3280168, MONDO:0013634, OMIM 614213.
Hereditary spastic paraplegia 30. Identifiers: Orphanet 101010, MedGen C5235139, MONDO:0012476.
Intellectual disability, autosomal dominant 9 (NESCAVS). Also called: NESCAV SYNDROME; KIF1A-Related Neurodevelopmental Disorder. Identifiers: Orphanet 662367, MedGen C5393830, MONDO:0013656, OMIM 614255.

Submission:

Labcorp Genetics (formerly Invitae), Labcorp
Classification: Uncertain significance for Hereditary spastic paraplegia 30; Neuropathy, hereditary sensory, type 2C; Intellectual disability, autosomal dominant 9. Last evaluated: 2023-10-10. Review status: criteria provided, single submitter. Criteria: Invitae Variant Classification Sherloc (09022015). Collection method: clinical testing. Allele origin: germline.
Comment: This sequence change replaces asparagine, which is neutral and polar, with histidine, which is basic and polar, at codon 1608 of the KIF1A protein (p.Asn1608His). This variant is not present in population databases (gnomAD no frequency). This variant has not been reported in the literature in individuals affected with KIF1A-related conditions. Advanced modeling of protein sequence and biophysical properties (such as structural, functional, and spatial information, amino acid conservation, physicochemical variation, residue mobility, and thermodynamic stability) performed at Invitae indicates that this missense variant is not expected to disrupt KIF1A protein function. In summary, the available evidence is currently insufficient to determine the role of this variant in disease. Therefore, it has been classified as a Variant of Uncertain Significance.

NM_001244008.2(KIF1A):c.5125A>C (p.Asn1709His)

Gene: KIF1A (kinesin family member 1A; minus strand). Cytogenetic location: 2q37.3.
Variant type: single nucleotide variant.
Coding change: c.5125A>C on transcript NM_001244008.2 (MANE Select); coding-DNA position 5125, A replaced by C.
Protein change: p.Asn1709His; replaces asparagine 1709 with histidine.
Molecular consequence: missense variant.
Genome position (GRCh38, 1-based): chr2:240,719,095, T>G on the plus strand (A>C on the coding strand, the complement: KIF1A is on the minus strand). VCF-style: chr2-240719095-T-G. GRCh37 (hg19) VCF-style: chr2-241658512-T-G.
Other names: c.4849A>C, p.Asn1617His (NM_001320705.2, NM_001379649.1); c.4876A>C, p.Asn1626His (NM_001330289.2); c.4924A>C, p.Asn1642His (NM_001330290.2, NM_001379648.1); c.5200A>C, p.Asn1734His (NM_001379631.1); c.5101A>C, p.Asn1701His (NM_001379632.1); c.5098A>C, p.Asn1700His (NM_001379633.1, NM_001379645.1); c.4951A>C, p.Asn1651His (NM_001379634.1); c.4948A>C, p.Asn1650His (NM_001379635.1, NM_001379646.1); and 7 more; short protein forms N1626H, N1646H, N1734H, N1608H, N1616H, N1625H, N1633H, N1642H.
Identifiers: ClinVar variation 2923760 (VCV002923760.3), dbSNP rs2536593863, ClinGen allele CA351298271.